The following is an entry in ClinVar:

ClinVar aggregate classification (germline): Likely benign (0 of 4 stars; one submission).

Conditions:
TLR1-related disorder. Also called: TLR1-related condition.

Allele frequency attached by ClinVar (database versions not stated): gnomAD 0.00007; TOPMed 0.00008; ExAC 0.00013; ESP Exome Variant Server 0.00015; gnomAD exomes 0.00017.
gnomAD v4.1: 254 of 1,614,090 alleles (0.016%); highest among the groups gnomAD compares: Non-Finnish European, 0.019%; no homozygotes.

Submission:

PreventionGenetics, part of Exact Sciences
Classification: Likely benign for TLR1-related condition. Last evaluated: 2021-04-07. Review status: no assertion criteria provided. Collection method: clinical testing. Allele origin: germline.
Comment: This variant is classified as likely benign based on ACMG/AMP sequence variant interpretation guidelines (Richards et al. 2015 PMID: 25741868, with internal and published modifications).

NM_003263.4(TLR1):c.1764C>T (p.Ala588=)

Gene: TLR1 (toll like receptor 1; minus strand). Cytogenetic location: 4p14.
Variant type: single nucleotide variant.
Coding change: c.1764C>T on transcript NM_003263.4 (MANE Select); coding-DNA position 1764, C replaced by T.
Protein change: p.Ala588=; no amino-acid change (alanine 588 retained).
Molecular consequence: synonymous variant.
Genome position (GRCh38, 1-based): chr4:38,797,068, G>A on the plus strand (C>T on the coding strand, the complement: TLR1 is on the minus strand). VCF-style: chr4-38797068-G-A. GRCh37 (hg19) VCF-style: chr4-38798689-G-A.
Identifiers: ClinVar variation 3032133 (VCV003032133.2), dbSNP rs375868027, ClinGen allele CA2889288.